The following is an entry in ClinVar:

NM_001737.5(C9):c.1114G>T (p.Val372Phe)

Gene: C9 (complement C9; minus strand). Cytogenetic location: 5p13.1.
Variant type: single nucleotide variant.
Coding change: c.1114G>T on transcript NM_001737.5 (MANE Select); coding-DNA position 1114, G replaced by T.
Protein change: p.Val372Phe; replaces valine 372 with phenylalanine.
Molecular consequence: missense variant.
Genome position (GRCh38, 1-based): chr5:39,308,356, C>A on the plus strand (G>T on the coding strand, the complement: C9 is on the minus strand). VCF-style: chr5-39308356-C-A. GRCh37 (hg19) VCF-style: chr5-39308458-C-A.
Other names: short protein forms V372F.
Identifiers: ClinVar variation 1346020 (VCV001346020.6), dbSNP rs2111880498, ClinGen allele CA359554886.

ClinVar aggregate classification (germline): Uncertain significance (1 of 4 stars; one submission).

gnomAD v4.1: 2 of 1,584,734 alleles (0.00013%); highest among the groups gnomAD compares: South Asian, 0.0022%; no homozygotes.

Submission:

Labcorp Genetics (formerly Invitae), Labcorp
Classification: Uncertain significance. Last evaluated: 2021-10-20. Review status: criteria provided, single submitter. Criteria: Invitae Variant Classification Sherloc (09022015). Collection method: clinical testing. Allele origin: germline.
Comment: This variant has not been reported in the literature in individuals affected with C9-related conditions. In summary, the available evidence is currently insufficient to determine the role of this variant in disease. Therefore, it has been classified as a Variant of Uncertain Significance. Algorithms developed to predict the effect of missense changes on protein structure and function output the following: SIFT: "Not Available"; PolyPhen-2: "Benign"; Align-GVGD: "Not Available". The phenylalanine amino acid residue is found in multiple mammalian species, which suggests that this missense change does not adversely affect protein function. This variant is not present in population databases (ExAC no frequency). This sequence change replaces valine with phenylalanine at codon 372 of the C9 protein (p.Val372Phe). The valine residue is moderately conserved and there is a small physicochemical difference between valine and phenylalanine.